The following is an entry in ClinVar:

ClinVar aggregate classification (germline): Uncertain significance (1 of 4 stars; one submission).

Conditions:
Developmental and epileptic encephalopathy 94 (DEE94). Also called: Epileptic encephalopathy, childhood-onset; CHD2-Related Neurodevelopmental Disorders. Identifiers: Orphanet 1942, Orphanet 2382, MedGen C3809278, MONDO:0014150, OMIM 615369.

Submission:

Labcorp Genetics (formerly Invitae), Labcorp
Classification: Uncertain significance for Developmental and epileptic encephalopathy 94. Last evaluated: 2025-10-24. Review status: criteria provided, single submitter. Criteria: Invitae Variant Classification Sherloc (09022015). Collection method: clinical testing. Allele origin: germline.
Comment: This sequence change falls in intron 6 of the CHD2 gene. It does not directly change the encoded amino acid sequence of the CHD2 protein. This variant is not present in population databases (gnomAD no frequency). This variant has not been reported in the literature in individuals affected with CHD2-related conditions. Experimental studies and prediction algorithms are not available or were not evaluated, and the effect of this variant on mRNA splicing is currently unknown. In summary, the available evidence is currently insufficient to determine the role of this variant in disease. Therefore, it has been classified as a Variant of Uncertain Significance.

NM_001271.4(CHD2):c.551+7_551+34dup

Gene: CHD2 (chromodomain helicase DNA binding protein 2; plus strand). Cytogenetic location: 15q26.1.
Variant type: Duplication.
Coding change: c.551+7_551+34dup on transcript NM_001271.4 (MANE Select); bases 7 to 34 of the intron after coding-DNA position 551, 28 bases duplicated (TGTTTGCTTAAGATCTCTACTTGGGATG).
Molecular consequence: intron variant.
Genome position (GRCh38, 1-based): chr15:92,937,632-92,937,659, TGTTTGCTTAAGATCTCTACTTGGGATG duplicated. VCF-style (leftmost placement, unchanged base first): chr15-92937631-C-CTGTTTGCTTAAGATCTCTACTTGGGATG. GRCh37 (hg19) VCF-style: chr15-93480861-C-CTGTTTGCTTAAGATCTCTACTTGGGATG.
Other names: c.551+7_551+34dup (NM_001042572.3).
Identifiers: ClinVar variation 4799465 (VCV004799465.1).
Genomic context (GRCh38, chr15:92,937,631, plus strand): 5'-CAGAGAGTGAGCCAGAACAAAAAAAAGTAAAAGCCAGAAGACCTGTCCCCAGAAGGTGCA[C>CTGTTTGCTTAAGATCTCTACTTGGGATG]TGTTTGCTTAAGATCTCTACTTGGGATGAGCTTAATCTGCTGTAGATTGGGAAGGATAAT-3'